The following is an entry in ClinVar:

ClinVar aggregate classification (germline): Uncertain significance (1 of 4 stars; one submission).

gnomAD v4.1: 2 of 1,612,972 alleles (0.00012%); highest among the groups gnomAD compares: East Asian, 0.0022%; no homozygotes.

Submission:

Labcorp Genetics (formerly Invitae), Labcorp
Classification: Uncertain significance. Last evaluated: 2024-04-02. Review status: criteria provided, single submitter. Criteria: Invitae Variant Classification Sherloc (09022015). Collection method: clinical testing. Allele origin: germline.
Comment: This sequence change replaces threonine, which is neutral and polar, with lysine, which is basic and polar, at codon 64 of the ADNP protein (p.Thr64Lys). This variant is not present in population databases (gnomAD no frequency). This variant has not been reported in the literature in individuals affected with ADNP-related conditions. An algorithm developed to predict the effect of missense changes on protein structure and function (PolyPhen-2) suggests that this variant is likely to be tolerated. In summary, the available evidence is currently insufficient to determine the role of this variant in disease. Therefore, it has been classified as a Variant of Uncertain Significance.

NM_001282531.3(ADNP):c.191C>A (p.Thr64Lys)

Gene: ADNP (activity dependent neuroprotector homeobox; minus strand). Cytogenetic location: 20q13.13.
Variant type: single nucleotide variant.
Coding change: c.191C>A on transcript NM_001282531.3 (MANE Select); coding-DNA position 191, C replaced by A.
Protein change: p.Thr64Lys; replaces threonine 64 with lysine.
Molecular consequence: missense variant.
Genome position (GRCh38, 1-based): chr20:50,902,027, G>T on the plus strand (C>A on the coding strand, the complement: ADNP is on the minus strand). VCF-style: chr20-50902027-G-T. GRCh37 (hg19) VCF-style: chr20-49518564-G-T.
Other names: c.191C>A, p.Thr64Lys (NM_001282532.2, NM_001347511.2, NM_015339.5 and 1 more transcripts); short protein forms T64K.
Identifiers: ClinVar variation 3647867 (VCV003647867.2).
Genomic context (GRCh38, chr20:50,902,027, plus strand): 5'-GGAGTATACCAAGCATGCTGCCATCTGAGGAAGTCTCCTGTGCCACTTACCTGGTTTTTC[G>T]TAAGTGATGGGTCCCACAGTCCTACATCCTCCCATGTAGTGTTTTTCAAATAAAAGTCAT-3'
Protein context (NP_001269460.1, residues 54-74): EDVGLWDPSL[Thr64Lys]KNQDYRTKPF